The following is an entry in ClinVar:

ClinVar aggregate classification (germline): Uncertain significance (1 of 4 stars; one submission).

Allele frequency attached by ClinVar (database versions not stated): ExAC 0.00001; gnomAD 0.00003; TOPMed 0.00003.
gnomAD v4.1: 29 of 1,614,114 alleles (0.0018%); highest among the groups gnomAD compares: African/African-American, 0.0013%; no homozygotes.

Submission:

GeneDx
Classification: Uncertain significance. Last evaluated: 2022-07-12. Review status: criteria provided, single submitter. Criteria: GeneDx Variant Classification Process June 2021. Collection method: clinical testing. Allele origin: germline. Affected: yes.
Comment: In silico analysis supports that this missense variant has a deleterious effect on protein structure/function; Has not been previously published as pathogenic or benign to our knowledge

NM_024876.4(COQ8B):c.1090A>G (p.Met364Val)

Gene: COQ8B (coenzyme Q8B; minus strand). Cytogenetic location: 19q13.2.
Variant type: single nucleotide variant.
Coding change: c.1090A>G on transcript NM_024876.4 (MANE Select); coding-DNA position 1090, A replaced by G.
Protein change: p.Met364Val; replaces methionine 364 with valine.
Molecular consequence: missense variant.
Genome position (GRCh38, 1-based): chr19:40,700,120, T>C on the plus strand (A>G on the coding strand, the complement: COQ8B is on the minus strand). VCF-style: chr19-40700120-T-C. GRCh37 (hg19) VCF-style: chr19-41206025-T-C.
Other names: c.967A>G, p.Met323Val (NM_001142555.3); short protein forms M323V, M364V.
Identifiers: ClinVar variation 1878769 (VCV001878769.1), dbSNP rs757057069, ClinGen allele CA9450154.